The following is an entry in ClinVar:

ClinVar aggregate classification (germline): Uncertain significance (1 of 4 stars; one submission).

Conditions:
Treacher Collins syndrome 1 (TCS1). Also called: TCOF1-Related Treacher Collins Syndrome. Identifiers: Orphanet 861, MedGen CN315775, MONDO:0007944, OMIM 154500.

gnomAD v4.1: 7 of 1,613,862 alleles (0.00043%); highest among the groups gnomAD compares: African/African-American, 0.0093%; no homozygotes.

Submission:

Labcorp Genetics (formerly Invitae), Labcorp
Classification: Uncertain significance for Treacher Collins syndrome 1. Last evaluated: 2025-04-08. Review status: criteria provided, single submitter. Criteria: Invitae Variant Classification Sherloc (09022015). Collection method: clinical testing. Allele origin: germline.
Comment: This sequence change replaces glycine, which is neutral and non-polar, with arginine, which is basic and polar, at codon 920 of the TCOF1 protein (p.Gly920Arg). This variant is present in population databases (rs142439509, gnomAD 0.007%). This variant has not been reported in the literature in individuals affected with TCOF1-related conditions. Invitae Evidence Modeling of protein sequence and biophysical properties (such as structural, functional, and spatial information, amino acid conservation, physicochemical variation, residue mobility, and thermodynamic stability) indicates that this missense variant is not expected to disrupt TCOF1 protein function with a negative predictive value of 80%. In summary, the available evidence is currently insufficient to determine the role of this variant in disease. Therefore, it has been classified as a Variant of Uncertain Significance.

NM_001371623.1(TCOF1):c.2758G>A (p.Gly920Arg)

Gene: TCOF1 (treacle ribosome biogenesis factor 1; plus strand). Cytogenetic location: 5q32.
Variant type: single nucleotide variant.
Coding change: c.2758G>A on transcript NM_001371623.1 (MANE Select); coding-DNA position 2758, G replaced by A.
Protein change: p.Gly920Arg; replaces glycine 920 with arginine.
Molecular consequence: missense variant.
Genome position (GRCh38, 1-based): chr5:150,379,631, G>A. VCF-style: chr5-150379631-G-A. GRCh37 (hg19) VCF-style: chr5-149759194-G-A.
Other names: c.2527G>A, p.Gly843Arg (NM_000356.4, NM_001135245.2, NM_001437406.1); c.2758G>A, p.Gly920Arg (NM_001008657.3, NM_001135243.2, NM_001135244.2 and 1 more transcripts); short protein forms G843R, G920R.
Identifiers: ClinVar variation 4811254 (VCV004811254.1).